The following is an entry in ClinVar:

ClinVar aggregate classification (germline): Uncertain significance (1 of 4 stars; one submission).

Allele frequency attached by ClinVar (database versions not stated): gnomAD exomes below 0.00001.
gnomAD v4.1: 1 of 1,606,232 alleles (0.000062%); highest among the groups gnomAD compares: Admixed American, 0.0017%; no homozygotes.

Submission:

Labcorp Genetics (formerly Invitae), Labcorp
Classification: Uncertain significance. Last evaluated: 2022-04-21. Review status: criteria provided, single submitter. Criteria: Invitae Variant Classification Sherloc (09022015). Collection method: clinical testing. Allele origin: germline.
Comment: This sequence change replaces valine, which is neutral and non-polar, with isoleucine, which is neutral and non-polar, at codon 4 of the IFNAR1 protein (p.Val4Ile). This variant is not present in population databases (gnomAD no frequency). This variant has not been reported in the literature in individuals affected with IFNAR1-related conditions. Algorithms developed to predict the effect of missense changes on protein structure and function are either unavailable or do not agree on the potential impact of this missense change (SIFT: "Tolerated"; PolyPhen-2: "Not Available"; Align-GVGD: "Class C0"). In summary, the available evidence is currently insufficient to determine the role of this variant in disease. Therefore, it has been classified as a Variant of Uncertain Significance.

NM_000629.3(IFNAR1):c.10G>A (p.Val4Ile)

Genes: IFNAR1 (interferon alpha and beta receptor subunit 1; plus strand), LOC119230225 (IFNAR1 promoter region; plus strand). Cytogenetic location: 21q22.11.
Variant type: single nucleotide variant.
Coding change: c.10G>A on transcript NM_000629.3 (MANE Select); coding-DNA position 10, G replaced by A.
Protein change: p.Val4Ile; replaces valine 4 with isoleucine.
Molecular consequence: missense variant. On other transcripts: 5 prime UTR variant (2), intron variant (1).
Genome position (GRCh38, 1-based): chr21:33,325,065, G>A. VCF-style: chr21-33325065-G-A. GRCh37 (hg19) VCF-style: chr21-34697370-G-A.
Other names: c.10G>A, p.Val4Ile (NM_001384498.1, NM_001384499.1, NM_001384501.1 and 1 more transcripts); c.-777G>A (NM_001384500.1); c.-374G>A (NM_001384502.1); c.-132+427G>A (NM_001384504.1); short protein forms V4I.
Identifiers: ClinVar variation 2128848 (VCV002128848.4), dbSNP rs2083112232, ClinGen allele CA410104869.